The following is an entry in ClinVar:

ClinVar aggregate classification (germline): Uncertain significance. Review status: criteria provided, multiple submitters, no conflicts (2 of 4 stars). 2 submissions from 2 submitters: Uncertain significance (2). Last evaluated 2022-03-25.

Conditions:
Inborn genetic diseases. Identifiers: MedGen C0950123, MeSH D030342.

gnomAD v4.1: 10 of 1,614,058 alleles (0.00062%); highest among the groups gnomAD compares: Non-Finnish European, 0.00085%; no homozygotes.

Submissions (2):

Ambry Genetics
Classification: Uncertain significance for Inborn genetic diseases. Last evaluated: 2022-03-25. Review status: criteria provided, single submitter. Criteria: Ambry Variant Classification Scheme 2023. Collection method: clinical testing. Allele origin: germline.

Labcorp Genetics (formerly Invitae), Labcorp
Classification: Uncertain significance. Last evaluated: 2021-11-27. Review status: criteria provided, single submitter. Criteria: Invitae Variant Classification Sherloc (09022015). Collection method: clinical testing. Allele origin: germline.
Comment: This sequence change replaces glutamic acid, which is acidic and polar, with aspartic acid, which is acidic and polar, at codon 298 of the LRP2 protein (p.Glu298Asp). This variant is present in population databases (rs183867145, gnomAD 0.003%). This variant has not been reported in the literature in individuals affected with LRP2-related conditions. Advanced modeling of protein sequence and biophysical properties (such as structural, functional, and spatial information, amino acid conservation, physicochemical variation, residue mobility, and thermodynamic stability) performed at Invitae indicates that this missense variant is expected to disrupt LRP2 protein function. In summary, the available evidence is currently insufficient to determine the role of this variant in disease. Therefore, it has been classified as a Variant of Uncertain Significance.

NM_004525.3(LRP2):c.894A>C (p.Glu298Asp)

Gene: LRP2 (LDL receptor related protein 2; minus strand). Cytogenetic location: 2q31.1.
Variant type: single nucleotide variant.
Coding change: c.894A>C on transcript NM_004525.3 (MANE Select); coding-DNA position 894, A replaced by C.
Protein change: p.Glu298Asp; replaces glutamic acid 298 with aspartic acid.
Molecular consequence: missense variant.
Genome position (GRCh38, 1-based): chr2:169,290,873, T>G on the plus strand (A>C on the coding strand, the complement: LRP2 is on the minus strand). VCF-style: chr2-169290873-T-G. GRCh37 (hg19) VCF-style: chr2-170147383-T-G.
Other names: c.894A>C (NM_004525.2); short protein forms E298D.
Identifiers: ClinVar variation 1489568 (VCV001489568.4), dbSNP rs183867145, ClinGen allele CA1955726.